The following is an entry in ClinVar:

NM_001458.5(FLNC):c.6209-1G>C

Genes: FLNC-AS1 (FLNC antisense RNA 1; minus strand), FLNC (filamin C; plus strand). Cytogenetic location: 7q32.1.
Variant type: single nucleotide variant.
Coding change: c.6209-1G>C on transcript NM_001458.5 (MANE Select); the canonical splice acceptor site of the intron before coding-DNA position 6209, G replaced by C.
Molecular consequence: splice acceptor variant.
Genome position (GRCh38, 1-based): chr7:128,853,468, G>C. VCF-style: chr7-128853468-G-C. GRCh37 (hg19) VCF-style: chr7-128493522-G-C.
Other names: c.6110-1G>C (NM_001127487.2).
Identifiers: ClinVar variation 2088457 (VCV002088457.4), dbSNP rs2536661967, ClinGen allele CA369211792.
Genomic context (GRCh38, chr7:128,853,468, plus strand): 5'-GAAAGCATTGTGGCTTGGCCAGCCTAGGACTGAGGGAGATGTGTTCCTTGCTTTCCCCCA[G>C]GTTATGGGGGCTTGGGGCTGAGTATTGAAGGCCCAAGCAAGGTGGACATCAACTGTGAGG-3'

ClinVar aggregate classification (germline): Likely pathogenic (1 of 4 stars; one submission).

Conditions:
Hypertrophic cardiomyopathy 26. Also called: Cardiomyopathy, familial hypertrophic, 26. Identifiers: Orphanet 75249, MedGen C4310749, MONDO:0014883, OMIM 617047.
Myofibrillar myopathy 5. Also called: Filaminopathy (type); FILAMINOPATHY, AUTOSOMAL DOMINANT. Identifiers: Orphanet 171445, MedGen C1836050, MONDO:0012289, OMIM 609524.
Distal myopathy with posterior leg and anterior hand involvement. Also called: WILLIAMS DISTAL MYOPATHY. Identifiers: Orphanet 63273, MedGen C3279722, MONDO:0013550, OMIM 614065.

Submission:

Labcorp Genetics (formerly Invitae), Labcorp
Classification: Likely pathogenic for Distal myopathy with posterior leg and anterior hand involvement; Myofibrillar myopathy 5; Hypertrophic cardiomyopathy 26. Last evaluated: 2022-01-21. Review status: criteria provided, single submitter. Criteria: Invitae Variant Classification Sherloc (09022015). Collection method: clinical testing. Allele origin: germline.
Comment: This variant has not been reported in the literature in individuals affected with FLNC-related conditions. This variant is not present in population databases (gnomAD no frequency). This sequence change affects an acceptor splice site in intron 37 of the FLNC gene. It is expected to disrupt RNA splicing. Variants that disrupt the donor or acceptor splice site typically lead to a loss of protein function (PMID: 16199547), and loss-of-function variants in FLNC are known to be pathogenic (PMID: 27908349). Algorithms developed to predict the effect of sequence changes on RNA splicing suggest that this variant may disrupt the consensus splice site. In summary, the currently available evidence indicates that the variant is pathogenic, but additional data are needed to prove that conclusively. Therefore, this variant has been classified as Likely Pathogenic.

Literature cited by the submitters: PubMed 16199547; PubMed 27908349.